The following is an entry in ClinVar:

ClinVar aggregate classification (germline): Uncertain significance. Review status: criteria provided, multiple submitters, no conflicts (2 of 4 stars). 2 submissions from 2 submitters: Uncertain significance (2). Last evaluated 2025-11-26.

Conditions:
Hereditary cancer-predisposing syndrome. Also called: Neoplastic Syndromes, Hereditary; Hereditary Cancer Syndrome; Tumor predisposition; Hereditary neoplastic syndrome. Identifiers: Orphanet 140162, MedGen C0027672, MeSH D009386, MONDO:0015356.
Ataxia-telangiectasia syndrome (AT). Also called: Ataxia-telangiectasia, complementation group D; AT, COMPLEMENTATION GROUP C; Cerebello-oculocutaneous telangiectasia; Immunodeficiency with ataxia telangiectasia; Ataxia-telangiectasia, complementation group E; LOUIS-BAR SYNDROME. Identifiers: Orphanet 100, MedGen C0004135, MONDO:0008840, OMIM 208900.

gnomAD v4.1: 1 of 1,614,090 alleles (0.000062%); highest among the groups gnomAD compares: Non-Finnish European, 0.000085%; no homozygotes.

Submissions (2):

Ambry Genetics
Classification: Uncertain significance for Hereditary cancer-predisposing syndrome. Last evaluated: 2025-11-26. Review status: criteria provided, single submitter. Criteria: Ambry Variant Classification Scheme 2023. Collection method: clinical testing. Allele origin: germline.
Comment: The p.H1083L variant (also known as c.3248A>T), located in coding exon 21 of the ATM gene, results from an A to T substitution at nucleotide position 3248. The histidine at codon 1083 is replaced by leucine, an amino acid with similar properties. A variant at the same codon, p.H1083R (c.3248A>G) has been identified in individual(s) with features consistent with Ataxia telangiectasia (Buzin CH et al. Hum Mutat, 2003 Feb;21:123-31; Mitui M et al. Hum Mutat, 2009 Jan;30:12-21; Micol R et al. J Allergy Clin Immunol, 2011 Aug;128:382-9.e1; Fi&eacute;vet A et al. Hum Mutat, 2019 10;40:1713-1730). In an assay testing ATM function, this variant showed a functionally normal result (Lee KS et al. Cell, 2025 Sep;188:5081-5099.e27). This amino acid position is highly conserved in available vertebrate species. In addition, this alteration is predicted to be deleterious by in silico analysis. Based on the available evidence, the clinical significance of this variant remains unclear.

Labcorp Genetics (formerly Invitae), Labcorp
Classification: Uncertain significance for Ataxia-telangiectasia syndrome. Last evaluated: 2024-07-01. Review status: criteria provided, single submitter. Criteria: Invitae Variant Classification Sherloc (09022015). Collection method: clinical testing. Allele origin: germline.
Comment: This sequence change replaces histidine, which is basic and polar, with leucine, which is neutral and non-polar, at codon 1083 of the ATM protein (p.His1083Leu). This variant is not present in population databases (gnomAD no frequency). This variant has not been reported in the literature in individuals affected with ATM-related conditions. ClinVar contains an entry for this variant (Variation ID: 1471198). An algorithm developed to predict the effect of missense changes on protein structure and function (PolyPhen-2) suggests that this variant is likely to be tolerated. This variant disrupts the p.His1083 amino acid residue in ATM. Other variant(s) that disrupt this residue have been determined to be pathogenic (PMID: 12552559, 18634022, 21665257, 25122203; Invitae). This suggests that this residue is clinically significant, and that variants that disrupt this residue are likely to be disease-causing. In summary, the available evidence is currently insufficient to determine the role of this variant in disease. Therefore, it has been classified as a Variant of Uncertain Significance.

Literature cited by the submitters: PubMed 12552559 (cited by Ambry Genetics and Labcorp Genetics (formerly Invitae), Labcorp); PubMed 18634022 (cited by Ambry Genetics and Labcorp Genetics (formerly Invitae), Labcorp); PubMed 21665257 (cited by Ambry Genetics and Labcorp Genetics (formerly Invitae), Labcorp); PubMed 31050087 (cited by Ambry Genetics); PubMed 40580951 (cited by Ambry Genetics); PubMed 25122203 (cited by Labcorp Genetics (formerly Invitae), Labcorp).

NM_000051.4(ATM):c.3248A>T (p.His1083Leu)

Gene: ATM (ATM serine/threonine kinase; plus strand). Cytogenetic location: 11q22.3.
Variant type: single nucleotide variant.
Coding change: c.3248A>T on transcript NM_000051.4 (MANE Select); coding-DNA position 3248, A replaced by T.
Protein change: p.His1083Leu; replaces histidine 1083 with leucine.
Molecular consequence: missense variant.
Genome position (GRCh38, 1-based): chr11:108,272,816, A>T. VCF-style: chr11-108272816-A-T. GRCh37 (hg19) VCF-style: chr11-108143543-A-T.
Other names: c.3248A>T (NM_000051.3); c.3248A>T, p.His1083Leu (NM_001351834.2); short protein forms H1083L.
Identifiers: ClinVar variation 1471198 (VCV001471198.9), dbSNP rs2081667850, ClinGen allele CA382516047.